The following is an entry in ClinVar:

ClinVar aggregate classification (germline): Likely benign (1 of 4 stars; one submission).

Allele frequency attached by ClinVar (database versions not stated): 1000 Genomes Project 30x 0.00999.

Submission:

CeGaT Center for Human Genetics Tuebingen
Classification: Likely benign. Last evaluated: 2025-09-01. Review status: criteria provided, single submitter. Criteria: CeGaT Center For Human Genetics Tuebingen Variant Classification Criteria Version 2. Collection method: clinical testing. Allele origin: germline. Affected: yes. Observed: 4 variant alleles.
Comment: FLG: BP4, BP7

NM_002016.2(FLG):c.2733A>G (p.Ser911=)

Genes: CCDST (cervical cancer associated DHX9 suppressive transcript; plus strand), FLG (filaggrin; minus strand). Cytogenetic location: 1q21.3.
Variant type: single nucleotide variant.
Coding change: c.2733A>G on transcript NM_002016.2 (MANE Select); coding-DNA position 2733, A replaced by G.
Protein change: p.Ser911=; no amino-acid change (serine 911 retained).
Molecular consequence: synonymous variant.
Genome position (GRCh38, 1-based): chr1:152,312,153, T>C on the plus strand (A>G on the coding strand, the complement: FLG is on the minus strand). VCF-style: chr1-152312153-T-C. GRCh37 (hg19) VCF-style: chr1-152284629-T-C.
Identifiers: ClinVar variation 2498418 (VCV002498418.28), dbSNP rs540595062, ClinGen allele CA1107024.